The following is an entry in ClinVar:

NM_014875.3(KIF14):c.3136C>T (p.Arg1046Cys)

Gene: KIF14 (kinesin family member 14; minus strand). Cytogenetic location: 1q32.1.
Variant type: single nucleotide variant.
Coding change: c.3136C>T on transcript NM_014875.3 (MANE Select); coding-DNA position 3136, C replaced by T.
Protein change: p.Arg1046Cys; replaces arginine 1046 with cysteine.
Molecular consequence: missense variant.
Genome position (GRCh38, 1-based): chr1:200,586,206, G>A on the plus strand (C>T on the coding strand, the complement: KIF14 is on the minus strand). VCF-style: chr1-200586206-G-A. GRCh37 (hg19) VCF-style: chr1-200555334-G-A.
Other names: c.1663C>T, p.Arg555Cys (NM_001305792.1); short protein forms R1046C, R555C.
Identifiers: ClinVar variation 2580219 (VCV002580219.1), dbSNP rs752380834, ClinGen allele CA1317333.

ClinVar aggregate classification (germline): Uncertain significance (1 of 4 stars; one submission).

Conditions:
Microcephaly 20, primary, autosomal recessive. Identifiers: MedGen C4693572, MONDO:0054761, OMIM 617914.

Allele frequency attached by ClinVar (database versions not stated): ExAC 0.00001; gnomAD 0.00001; gnomAD exomes 0.00003; TOPMed 0.00003.
gnomAD v4.1: 42 of 1,594,100 alleles (0.0026%); highest among the groups gnomAD compares: Middle Eastern, 0.017%; no homozygotes.

Submission:

Illumina Laboratory Services, Illumina
Classification: Uncertain significance for Microcephaly 20, primary, autosomal recessive. Last evaluated: 2023-04-05. Review status: criteria provided, single submitter. Criteria: ICSLVariantClassificationCriteria RUGD 01 April 2020. Collection method: clinical testing. Allele origin: unknown.
Comment: The KIF14 c.3136C>T (p.Arg1046Cys) missense variant results in the substitution of arginine at amino acid position 1046 with cysteine. To our knowledge, this variant has not been reported in the peer-reviewed literature. This variant is reported in the Genome Aggregation Database in three alleles at a frequency of 0.000167 in the East Asian population (version 2.1.1). The c.3136C>T variant resides in the coiled coil domain that is essential for CIT-binding (PMID: 32430361). Based on the available evidence, the c.3136C>T (p.Arg1046Cys) variant is classified as a variant of uncertain significance for autosomal recessive primary microcephaly.